The following is an entry in ClinVar:

ClinVar aggregate classification (germline): Uncertain significance (1 of 4 stars; one submission).

Conditions:
Bloom syndrome (BLM). Also called: Bloom-Torre-Machacek syndrome. Identifiers: Orphanet 125, MedGen C0005859, MONDO:0008876, OMIM 210900.

Submission:

Labcorp Genetics (formerly Invitae), Labcorp
Classification: Uncertain significance for Bloom syndrome. Last evaluated: 2021-08-27. Review status: criteria provided, single submitter. Criteria: Invitae Variant Classification Sherloc (09022015). Collection method: clinical testing. Allele origin: germline.
Comment: This sequence change replaces arginine with isoleucine at codon 1144 of the BLM protein (p.Arg1144Ile). The arginine residue is highly conserved and there is a moderate physicochemical difference between arginine and isoleucine. This variant is not present in population databases (ExAC no frequency). This variant has not been reported in the literature in individuals affected with BLM-related conditions. Algorithms developed to predict the effect of missense changes on protein structure and function (SIFT, PolyPhen-2, Align-GVGD) all suggest that this variant is likely to be disruptive. In summary, the available evidence is currently insufficient to determine the role of this variant in disease. Therefore, it has been classified as a Variant of Uncertain Significance.

NM_000057.4(BLM):c.3431G>T (p.Arg1144Ile)

Gene: BLM (BLM RecQ like helicase; plus strand). Cytogenetic location: 15q26.1.
Variant type: single nucleotide variant.
Coding change: c.3431G>T on transcript NM_000057.4 (MANE Select); coding-DNA position 3431, G replaced by T.
Protein change: p.Arg1144Ile; replaces arginine 1144 with isoleucine.
Molecular consequence: missense variant. On other transcripts: intron variant (1).
Genome position (GRCh38, 1-based): chr15:90,803,593, G>T. VCF-style: chr15-90803593-G-T. GRCh37 (hg19) VCF-style: chr15-91346823-G-T.
Other names: c.3431G>T, p.Arg1144Ile (NM_001287246.2); c.2306G>T, p.Arg769Ile (NM_001287248.2); c.3358+5256G>T (NM_001287247.2); short protein forms R1144I, R769I.
Identifiers: ClinVar variation 964989 (VCV000964989.7), dbSNP rs1897214758, ClinGen allele CA393847578.